The following is an entry in ClinVar:

ClinVar aggregate classification (germline): Likely benign. Review status: criteria provided, single submitter (1 of 4 stars). 2 submissions from 2 submitters: Likely benign (1). 1 of the submissions does not count toward it. Last evaluated 2023-08-21.

Conditions:
PCNT-related disorder. Also called: PCNT-related condition.

Allele frequency attached by ClinVar (database versions not stated): gnomAD exomes 0.00001.
gnomAD v4.1: 8 of 1,614,074 alleles (0.0005%); highest among the groups gnomAD compares: Middle Eastern, 0.016%; no homozygotes.

Submissions (2):

Labcorp Genetics (formerly Invitae), Labcorp
Classification: Likely benign. Last evaluated: 2023-08-21. Review status: criteria provided, single submitter. Criteria: Invitae Variant Classification Sherloc (09022015). Collection method: clinical testing. Allele origin: germline.

PreventionGenetics, part of Exact Sciences
Classification: Likely benign for PCNT-related condition. Last evaluated: 2022-02-02. Review status: no assertion criteria provided. Collection method: clinical testing. Allele origin: germline. Not counted in ClinVar's aggregate classification.
Comment: This variant is classified as likely benign based on ACMG/AMP sequence variant interpretation guidelines (Richards et al. 2015 PMID: 25741868, with internal and published modifications).

NM_006031.6(PCNT):c.977-6T>C

Gene: PCNT (pericentrin; plus strand). Cytogenetic location: 21q22.3.
Variant type: single nucleotide variant.
Coding change: c.977-6T>C on transcript NM_006031.6 (MANE Select); 6 bases into the intron before coding-DNA position 977, T replaced by C.
Molecular consequence: intron variant.
Genome position (GRCh38, 1-based): chr21:46,347,451, T>C. VCF-style: chr21-46347451-T-C. GRCh37 (hg19) VCF-style: chr21-47767365-T-C.
Other names: c.977-6T>C (NM_006031.5); c.623-6T>C (NM_001315529.2).
Identifiers: ClinVar variation 2723461 (VCV002723461.5), dbSNP rs1009487219, ClinGen allele CA321993134.
Genomic context (GRCh38, chr21:46,347,451, plus strand): 5'-TGGGCAGTTGGGTCACTGAAAAGGTTGAGATGGAGTGGCCTGAGCTGCTTTTTGTTTTTC[T>C]TGCAGCTGAGCTGAAGGAGAAGTTACAATCAGAAATGGAGAAAAACGCCCAGATAGTAAA-3'